The following is an entry in ClinVar:

ClinVar aggregate classification (germline): Likely pathogenic (1 of 4 stars; one submission).

Conditions:
Alstrom syndrome (ALMS). Identifiers: Orphanet 64, MedGen C0268425, MONDO:0008763, OMIM 203800.

Submission:

Myriad Genetics, Inc.
Classification: Likely pathogenic for Alstrom syndrome. Last evaluated: 2022-02-02. Review status: criteria provided, single submitter. Criteria: Myriad Women's Health Autosomal Recessive and X-Linked Classification Criteria (2021). Collection method: clinical testing. Allele origin: unknown.
Comment: NM_015120.4(ALMS1):c.10801G>T(E3601*) is expected to be pathogenic in the context of Alstrom syndrome. This variant is predicted to lead to an abnormal or absent protein product due to the creation of a premature termination codon in ALMS1, a gene where loss-of-function variants are known to be pathogenic. Please note: this variant was assessed in the context of healthy population screening.

NM_001378454.1(ALMS1):c.10798G>T (p.Glu3600Ter)

Gene: ALMS1 (ALMS1 centrosome and basal body associated protein; plus strand). Cytogenetic location: 2p13.1.
Variant type: single nucleotide variant.
Coding change: c.10798G>T on transcript NM_001378454.1 (MANE Select); coding-DNA position 10798, G replaced by T.
Protein change: p.Glu3600Ter; replaces glutamic acid 3600 with a stop codon.
Molecular consequence: nonsense.
Genome position (GRCh38, 1-based): chr2:73,572,675, G>T. VCF-style: chr2-73572675-G-T. GRCh37 (hg19) VCF-style: chr2-73799802-G-T.
Other names: c.10801G>T, p.Glu3601Ter (NM_015120.4); short protein forms E3600*, E3601*.
Identifiers: ClinVar variation 1724237 (VCV001724237.2), dbSNP rs2466444591, ClinGen allele CA347285564.